The following is an entry in ClinVar:

NM_000539.3(RHO):c.779_780del (p.Ala260fs)

Gene: RHO (rhodopsin; plus strand). Cytogenetic location: 3q22.1.
Variant type: Deletion.
Coding change: c.779_780del on transcript NM_000539.3 (MANE Select); coding-DNA positions 779 to 780, 2 bases deleted (CT; older notation c.779_780delCT).
Protein change: p.Ala260fs; shifts the reading frame from alanine 260.
Molecular consequence: frameshift variant.
Genome position (GRCh38, 1-based): chr3:129,532,615-129,532,616, CT deleted. VCF-style (leftmost placement, unchanged base first): chr3-129532614-GCT-G. GRCh37 (hg19) VCF-style: chr3-129251457-GCT-G.
Other names: short protein forms A260fs.
Identifiers: ClinVar variation 1436611 (VCV001436611.6), dbSNP rs2108750475, ClinGen allele CA2573136494.

ClinVar aggregate classification (germline): Uncertain significance (1 of 4 stars; one submission).

Submission:

Labcorp Genetics (formerly Invitae), Labcorp
Classification: Uncertain significance. Last evaluated: 2024-02-26. Review status: criteria provided, single submitter. Criteria: Invitae Variant Classification Sherloc (09022015). Collection method: clinical testing. Allele origin: germline.
Comment: This sequence change creates a premature translational stop signal (p.Ala260Valfs*70) in the RHO gene. While this is not anticipated to result in nonsense mediated decay, it is expected to disrupt the last 89 amino acid(s) of the RHO protein. This variant is not present in population databases (gnomAD no frequency). This variant has not been reported in the literature in individuals affected with RHO-related conditions. ClinVar contains an entry for this variant (Variation ID: 1436611). Experimental studies and prediction algorithms are not available or were not evaluated, and the functional significance of this variant is currently unknown. In summary, the available evidence is currently insufficient to determine the role of this variant in disease. Therefore, it has been classified as a Variant of Uncertain Significance.